The following is an entry in ClinVar:

ClinVar aggregate classification (germline): Likely pathogenic (1 of 4 stars; one submission).

Conditions:
Dilated cardiomyopathy 1G (CMD1G). Identifiers: Orphanet 154, MedGen C1858763, MONDO:0011400, OMIM 604145.
Autosomal recessive limb-girdle muscular dystrophy type 2J (LGMDR10). Also called: Limb-girdle muscular dystrophy, type 2J; MUSCULAR DYSTROPHY, LIMB-GIRDLE, AUTOSOMAL RECESSIVE 10. Identifiers: Orphanet 140922, MedGen C1837342, MONDO:0012127, OMIM 608807.

Submission:

Labcorp Genetics (formerly Invitae), Labcorp
Classification: Likely pathogenic for Dilated cardiomyopathy 1G; Autosomal recessive limb-girdle muscular dystrophy type 2J. Last evaluated: 2024-12-17. Review status: criteria provided, single submitter. Criteria: Invitae Variant Classification Sherloc (09022015). Collection method: clinical testing. Allele origin: germline.
Comment: This sequence change creates a premature translational stop signal (p.Ser26735Valfs*41) in the TTN gene. While this is not anticipated to result in nonsense mediated decay, it is expected to create a truncated TTN protein. This variant is not present in population databases (gnomAD no frequency). This variant has not been reported in the literature in individuals affected with TTN-related conditions. This variant is located in the A band of TTN (PMID: 25589632). Truncating variants in this region are significantly overrepresented in patients affected with dilated cardiomyopathy (PMID: 25589632). Truncating variants in this region have also been reported in individuals affected with autosomal recessive centronuclear myopathy (PMID: 23975875). In summary, the currently available evidence indicates that the variant is pathogenic, but additional data are needed to prove that conclusively. Therefore, this variant has been classified as Likely Pathogenic.

Literature cited by the submitters: PubMed 25589632; PubMed 23975875.

NM_001267550.2(TTN):c.80203del (p.Ser26735fs)

Genes: TTN (titin; minus strand), TTN-AS1 (TTN antisense RNA 1; plus strand). Cytogenetic location: 2q31.2.
Variant type: Deletion.
Coding change: c.80203del on transcript NM_001267550.2 (MANE Select); coding-DNA position 80203, one base deleted (A; older notation c.80203delA).
Protein change: p.Ser26735fs; shifts the reading frame from serine 26735.
Molecular consequence: frameshift variant.
Genome position (GRCh38, 1-based): chr2:178,565,929, T deleted on the plus strand (A on the coding strand, the reverse complement: TTN is on the minus strand). VCF-style (leftmost placement, unchanged base first): chr2-178565928-CT-C. GRCh37 (hg19) VCF-style: chr2-179430655-CT-C.
Other names: c.75280del, p.Ser25094fs (NM_001256850.1); c.53008del, p.Ser17670fs (NM_003319.4); c.72499del, p.Ser24167fs (NM_133378.4); c.53383del, p.Ser17795fs (NM_133432.3); c.53584del, p.Ser17862fs (NM_133437.4); short protein forms S17670fs, S17795fs, S17862fs, S24167fs, S25094fs, S26735fs.
Identifiers: ClinVar variation 3760081 (VCV003760081.2).